The following is an entry in ClinVar:

ClinVar aggregate classification (germline): Benign. Review status: criteria provided, multiple submitters, no conflicts (2 of 4 stars). 4 submissions from 3 submitters: Benign (4). Last evaluated 2026-01-20.

Conditions:
Supravalvar aortic stenosis (SVAS). Also called: Supravalvar aortic stenosis, Eisenberg type. Identifiers: Orphanet 3193, MedGen C0003499, MONDO:0008504, OMIM 185500, HP:0004381.
Cutis laxa, autosomal dominant 1 (ADCL1). Also called: ELN-Related Cutis Laxa. Identifiers: Orphanet 90348, MedGen C3276539, MONDO:0007411, OMIM 123700. Disease mechanism: Dominant Negative.

Allele frequency attached by ClinVar (database versions not stated): gnomAD 0.00034 and 0.00052; ExAC 0.00115; gnomAD exomes 0.00115; TOPMed 0.00141; 1000 Genomes Project 30x 0.00187; 1000 Genomes Project 0.00220.
gnomAD v4.1: 924 of 1,613,572 alleles (0.057%); highest among the groups gnomAD compares: East Asian, 1.7%; 7 homozygotes.

Submissions (4):

Labcorp Genetics (formerly Invitae), Labcorp
Classification: Benign for Supravalvar aortic stenosis. Last evaluated: 2026-01-20. Review status: criteria provided, single submitter. Criteria: Invitae Variant Classification Sherloc (09022015). Collection method: clinical testing. Allele origin: germline.

GeneDx
Classification: Benign. Last evaluated: 2018-05-16. Review status: criteria provided, single submitter. Criteria: GeneDx Variant Classification (06012015). Collection method: clinical testing. Allele origin: germline. Affected: yes.
Comment: This variant is considered likely benign or benign based on one or more of the following criteria: it is a conservative change, it occurs at a poorly conserved position in the protein, it is predicted to be benign by multiple in silico algorithms, and/or has population frequency not consistent with disease.

Illumina Laboratory Services, Illumina
Classification: Benign for Supravalvar aortic stenosis. Last evaluated: 2018-01-13. Review status: criteria provided, single submitter. Criteria: ICSL Variant Classification Criteria 13 December 2019. Collection method: clinical testing. Allele origin: germline.
Comment: This variant was observed in the ICSL laboratory as part of a predisposition screen in an ostensibly healthy population. It had not been previously curated by ICSL or reported in the Human Gene Mutation Database (HGMD: prior to June 1st, 2018), and was therefore a candidate for classification through an automated scoring system. Utilizing variant allele frequency, disease prevalence and penetrance estimates, and inheritance mode, an automated score was calculated to assess if this variant is too frequent to cause the disease. Based on the score and internal cut-off values, a variant classified as benign is not then subjected to further curation. The score for this variant resulted in a classification of benign for this disease.

Illumina Laboratory Services, Illumina
Classification: Benign for Cutis laxa, autosomal dominant 1. Last evaluated: 2018-01-13. Review status: criteria provided, single submitter. Criteria: ICSL Variant Classification Criteria 13 December 2019. Collection method: clinical testing. Allele origin: germline.
Comment: the same text as in the submission from Illumina Laboratory Services, Illumina above.

NM_000501.4(ELN):c.931G>A (p.Ala311Thr)

Gene: ELN (elastin; plus strand). Cytogenetic location: 7q11.23.
Variant type: single nucleotide variant.
Coding change: c.931G>A on transcript NM_000501.4 (MANE Select); coding-DNA position 931, G replaced by A.
Protein change: p.Ala311Thr; replaces alanine 311 with threonine.
Molecular consequence: missense variant.
Genome position (GRCh38, 1-based): chr7:74,051,965, G>A. VCF-style: chr7-74051965-G-A. GRCh37 (hg19) VCF-style: chr7-73466295-G-A.
Other names: c.901G>A, p.Ala301Thr (NM_001081752.3, NM_001278917.2); c.946G>A, p.Ala316Thr (NM_001081753.3, NM_001081754.3); c.931G>A, p.Ala311Thr (NM_001081755.3, NM_001278912.2, NM_001278915.2 and 1 more transcripts); c.823G>A, p.Ala275Thr (NM_001278913.2); c.916G>A, p.Ala306Thr (NM_001278914.2); c.889G>A, p.Ala297Thr (NM_001278916.2); c.799G>A, p.Ala267Thr (NM_001278918.2); short protein forms A311T, A301T, A306T, A275T, A297T, A267T, A316T.
Identifiers: ClinVar variation 360642 (VCV000360642.17), dbSNP rs41376344, ClinGen allele CA4292769.